The following is an entry in ClinVar:

NM_025243.4(SLC19A3):c.52A>G (p.Ile18Val)

Gene: SLC19A3 (solute carrier family 19 member 3; minus strand). Cytogenetic location: 2q36.3.
Variant type: single nucleotide variant.
Coding change: c.52A>G on transcript NM_025243.4 (MANE Select); coding-DNA position 52, A replaced by G.
Protein change: p.Ile18Val; replaces isoleucine 18 with valine.
Molecular consequence: missense variant.
Genome position (GRCh38, 1-based): chr2:227,702,267, T>C on the plus strand (A>G on the coding strand, the complement: SLC19A3 is on the minus strand). VCF-style: chr2-227702267-T-C. GRCh37 (hg19) VCF-style: chr2-228566983-T-C.
Other names: short protein forms I18V.
Identifiers: ClinVar variation 655395 (VCV000655395.9), dbSNP rs1574565534, ClinGen allele CA350878051.
Genomic context (GRCh38, chr2:227,702,267, plus strand): 5'-ATGGGATAAGGAATGGTTCTGAGGGTCTCATCATGGAGAAAAAACCAAATAAGCAGAGGA[T>C]CACAGTGGGGTAAATCCAGGAACTGCTTAGTGAAGTTCTGTAACAATCCATGGCTGATCA-3'
Protein context (NP_079519.1, residues 8-28): LSSSWIYPTV[Ile18Val]LCLFGFFSMM

ClinVar aggregate classification (germline): Uncertain significance (1 of 4 stars; one submission).

Conditions:
Biotin-responsive basal ganglia disease (BTBGD). Also called: Thiamine metabolism dysfunction syndrome type 2; Thiamine Transporter-2 Deficiency; thiamine-responsive encephalopathy; THIAMINE METABOLISM DYSFUNCTION SYNDROME 2 (BIOTIN- AND THIAMINE-RESPONSIVE TYPE); Thiamine metabolism dysfunction syndrome 2 (biotin- or thiamine-responsive encephalopathy type 2). Identifiers: Orphanet 199348, Orphanet 65284, MedGen C1843807, MONDO:0011841, OMIM 607483.

Submission:

Labcorp Genetics (formerly Invitae), Labcorp
Classification: Uncertain significance for Biotin-responsive basal ganglia disease. Last evaluated: 2018-09-11. Review status: criteria provided, single submitter. Criteria: Invitae Variant Classification Sherloc (09022015). Collection method: clinical testing. Allele origin: germline.
Comment: This sequence change replaces isoleucine with valine at codon 18 of the SLC19A3 protein (p.Ile18Val). The isoleucine residue is moderately conserved and there is a small physicochemical difference between isoleucine and valine. This variant is not present in population databases (ExAC no frequency). This variant has not been reported in the literature in individuals with SLC19A3-related disease. Algorithms developed to predict the effect of missense changes on protein structure and function output the following: SIFT: "Tolerated"; PolyPhen-2: "Benign"; Align-GVGD: "Class C0". The valine amino acid residue is found in multiple mammalian species, suggesting that this missense change does not adversely affect protein function. These predictions have not been confirmed by published functional studies and their clinical significance is uncertain. In summary, the available evidence is currently insufficient to determine the role of this variant in disease. Therefore, it has been classified as a Variant of Uncertain Significance.